The following is an entry in ClinVar:

NM_000548.5(TSC2):c.1769_1776del (p.Leu590fs)

Gene: TSC2 (TSC complex subunit 2; plus strand). Cytogenetic location: 16p13.3.
Variant type: Deletion.
Coding change: c.1769_1776del on transcript NM_000548.5 (MANE Select); coding-DNA positions 1769 to 1776, 8 bases deleted (TGGTCAGC; older notation c.1769_1776delTGGTCAGC).
Protein change: p.Leu590fs; shifts the reading frame from leucine 590.
Molecular consequence: frameshift variant.
Genome position (GRCh38, 1-based): chr16:2,070,508-2,070,515, TGGTCAGC deleted; deleting any 8 consecutive bases within chr16:2,070,506-2,070,515 gives the same sequence; the c. name uses the placement nearest the transcript's 3' end. VCF-style (leftmost placement, unchanged base first): chr16-2070505-TGCTGGTCA-T. GRCh37 (hg19) VCF-style: chr16-2120506-TGCTGGTCA-T.
Other names: c.1769_1776del, p.Leu590fs (NM_001077183.3, NM_001114382.3, NM_001363528.2 and 3 more transcripts); c.1658_1665del, p.Leu553fs (NM_001318827.2); c.1622_1629del, p.Leu541fs (NM_001318829.2); c.1169_1176del, p.Leu390fs (NM_001318831.2); c.1802_1809del, p.Leu601fs (NM_001318832.2); short protein forms L553fs, L390fs, L590fs, L601fs, L541fs.
Identifiers: ClinVar variation 1456379 (VCV001456379.6), dbSNP rs2151279634, ClinGen allele CA2573151519.

ClinVar aggregate classification (germline): Pathogenic (1 of 4 stars; one submission).

Conditions:
Tuberous sclerosis 2 (TSC2). Identifiers: Orphanet 805, MedGen C1860707, MONDO:0013199, OMIM 613254.

Submission:

Labcorp Genetics (formerly Invitae), Labcorp
Classification: Pathogenic for Tuberous sclerosis 2. Last evaluated: 2021-07-29. Review status: criteria provided, single submitter. Criteria: Invitae Variant Classification Sherloc (09022015). Collection method: clinical testing. Allele origin: germline.
Comment: This variant is not present in population databases (ExAC no frequency). This sequence change creates a premature translational stop signal (p.Leu590Profs*24) in the TSC2 gene. It is expected to result in an absent or disrupted protein product. Loss-of-function variants in TSC2 are known to be pathogenic (PMID: 10205261, 17304050). This variant has not been reported in the literature in individuals affected with TSC2-related conditions. For these reasons, this variant has been classified as Pathogenic.

Literature cited by the submitters: PubMed 10205261; PubMed 17304050.